The following is an entry in ClinVar:

ClinVar aggregate classification (germline): Likely pathogenic (1 of 4 stars; one submission).

Allele frequency attached by ClinVar (database versions not stated): gnomAD exomes below 0.00001 and 0.00001.

Submission:

Labcorp Genetics (formerly Invitae), Labcorp
Classification: Likely pathogenic. Last evaluated: 2025-09-29. Review status: criteria provided, single submitter. Criteria: Invitae Variant Classification Sherloc (09022015). Collection method: clinical testing. Allele origin: germline.
Comment: This sequence change affects a splice site in intron 2 of the IFNAR1 gene. It is expected to disrupt RNA splicing. Variants that disrupt the donor or acceptor splice site typically lead to a loss of protein function (PMID: 16199547), and loss-of-function variants in IFNAR1 are known to be pathogenic (PMID: 31270247, 32960813). This variant is present in population databases (no rsID available, gnomAD 0.01%). This variant has not been reported in the literature in individuals affected with IFNAR1-related conditions. ClinVar contains an entry for this variant (Variation ID: 1481917). Algorithms developed to predict the effect of sequence changes on RNA splicing suggest that this variant may disrupt the consensus splice site. In summary, the currently available evidence indicates that the variant is pathogenic, but additional data are needed to prove that conclusively. Therefore, this variant has been classified as Likely Pathogenic.

Literature cited by the submitters: PubMed 16199547; PubMed 31270247; PubMed 32960813.

NM_000629.3(IFNAR1):c.200+2del

Gene: IFNAR1 (interferon alpha and beta receptor subunit 1; plus strand). Cytogenetic location: 21q22.11.
Variant type: Deletion.
Coding change: c.200+2del on transcript NM_000629.3 (MANE Select); the canonical splice donor site of the intron after coding-DNA position 200, one base deleted (T; older notation c.200+2delT).
Molecular consequence: splice donor variant.
Genome position (GRCh38, 1-based): chr21:33,335,649, T deleted. VCF-style (leftmost placement, unchanged base first): chr21-33335648-GT-G. GRCh37 (hg19) VCF-style: chr21-34707954-GT-G.
Other names: c.-8+2del (NM_001384504.1); c.-587+2del (NM_001384500.1); c.200+2del (NM_001384498.1, NM_001384503.1, NM_001384499.1 and 1 more transcripts); c.-184+2del (NM_001384502.1).
Identifiers: ClinVar variation 1481917 (VCV001481917.6), dbSNP rs1198829221, ClinGen allele CA637663605.